The following is an entry in ClinVar:

ClinVar aggregate classification (germline): Uncertain significance (1 of 4 stars; one submission).

Submission:

GeneDx
Classification: Uncertain significance. Last evaluated: 2024-03-06. Review status: criteria provided, single submitter. Criteria: GeneDx Variant Classification Process June 2021. Collection method: clinical testing. Allele origin: germline. Affected: yes.
Comment: Not observed at significant frequency in large population cohorts (gnomAD); In silico analysis supports that this missense variant does not alter protein structure/function; Has not been previously published as pathogenic or benign to our knowledge

NM_012062.5(DNM1L):c.1726G>T (p.Gly576Trp)

Gene: DNM1L (dynamin 1 like; plus strand). Cytogenetic location: 12p11.21.
Variant type: single nucleotide variant.
Coding change: c.1726G>T on transcript NM_012062.5 (MANE Select); coding-DNA position 1726, G replaced by T.
Protein change: p.Gly576Trp; replaces glycine 576 with tryptophan.
Molecular consequence: missense variant.
Genome position (GRCh38, 1-based): chr12:32,740,082, G>T. VCF-style: chr12-32740082-G-T. GRCh37 (hg19) VCF-style: chr12-32893016-G-T.
Other names: c.1693G>T, p.Gly565Trp (NM_001278463.2); c.1765G>T, p.Gly589Trp (NM_001278464.2); c.1732G>T, p.Gly578Trp (NM_001278465.2); c.1117G>T, p.Gly373Trp (NM_001278466.2); c.1654G>T, p.Gly552Trp (NM_001330380.2); c.1615G>T, p.Gly539Trp (NM_005690.5); c.1648G>T, p.Gly550Trp (NM_012063.4); short protein forms G373W, G539W, G550W, G552W, G565W, G576W, G578W, G589W.
Identifiers: ClinVar variation 3370559 (VCV003370559.1).